The following is an entry in ClinVar:

NM_198428.3(BBS9):c.20G>T (p.Arg7Leu)

Gene: BBS9 (Bardet-Biedl syndrome 9; plus strand). Cytogenetic location: 7p14.3.
Variant type: single nucleotide variant.
Coding change: c.20G>T on transcript NM_198428.3 (MANE Select); coding-DNA position 20, G replaced by T.
Protein change: p.Arg7Leu; replaces arginine 7 with leucine.
Molecular consequence: missense variant. On other transcripts: 5 prime UTR variant (3), non-coding transcript variant (3), intron variant (4).
Genome position (GRCh38, 1-based): chr7:33,146,272, G>T. VCF-style: chr7-33146272-G-T. GRCh37 (hg19) VCF-style: chr7-33185884-G-T.
Other names: c.20G>T, p.Arg7Leu (NM_001033604.2, NM_001033605.2, NM_001348036.1 and 5 more transcripts); c.-282G>T (NM_001348037.3); c.-258G>T (NM_001348038.3, NM_001348039.3); c.-23-6429G>T (NM_001348042.3); c.-189-6429G>T (NM_001348045.3); c.-39+16231G>T (NM_001348046.3, NM_001348044.3); short protein forms R7L.
Identifiers: ClinVar variation 858504 (VCV000858504.13), dbSNP rs746340993, ClinGen allele CA367189168.

ClinVar aggregate classification (germline): Uncertain significance. Review status: criteria provided, multiple submitters, no conflicts (2 of 4 stars). 5 submissions from 5 submitters: Uncertain significance (4). 1 of the submissions does not count toward it. Last evaluated 2025-08-27.

Conditions:
Bardet-Biedl syndrome (BBS). Identifiers: Orphanet 110, MedGen C0752166, MONDO:0015229.
Inborn genetic diseases. Identifiers: MedGen C0950123, MeSH D030342.
BBS9-related disorder. Also called: BBS9-related condition.
Bardet-Biedl syndrome 9 (BBS9). Identifiers: Orphanet 110, MedGen C1859567, MONDO:0014437, OMIM 615986.

gnomAD v4.1: 4 of 1,613,546 alleles (0.00025%); highest among the groups gnomAD compares: Admixed American, 0.005%; no homozygotes.

Submissions (5):

Ambry Genetics
Classification: Uncertain significance for Inborn genetic diseases. Last evaluated: 2025-08-27. Review status: criteria provided, single submitter. Criteria: Ambry Variant Classification Scheme 2023. Collection method: clinical testing. Allele origin: germline.

Blueprint Genetics
Classification: Uncertain significance. Last evaluated: 2024-10-10. Review status: criteria provided, single submitter. Criteria: ACMG Guidelines, 2015. Collection method: clinical testing. Allele origin: germline.

Labcorp Genetics (formerly Invitae), Labcorp
Classification: Uncertain significance for Bardet-Biedl syndrome. Last evaluated: 2022-03-10. Review status: criteria provided, single submitter. Criteria: Invitae Variant Classification Sherloc (09022015). Collection method: clinical testing. Allele origin: germline.
Comment: This sequence change replaces arginine, which is basic and polar, with leucine, which is neutral and non-polar, at codon 7 of the BBS9 protein (p.Arg7Leu). This variant is present in population databases (no rsID available, gnomAD 0.006%). This variant has not been reported in the literature in individuals affected with BBS9-related conditions. ClinVar contains an entry for this variant (Variation ID: 858504). Algorithms developed to predict the effect of missense changes on protein structure and function (SIFT, PolyPhen-2, Align-GVGD) all suggest that this variant is likely to be disruptive. In summary, the available evidence is currently insufficient to determine the role of this variant in disease. Therefore, it has been classified as a Variant of Uncertain Significance.

Fulgent Genetics
Classification: Uncertain significance for Bardet-Biedl syndrome 9. Last evaluated: 2022-03-01. Review status: criteria provided, single submitter. Criteria: ACMG Guidelines, 2015. Collection method: clinical testing. Allele origin: unknown.

PreventionGenetics, part of Exact Sciences
Classification: Uncertain significance for BBS9-related condition. Last evaluated: 2024-01-05. Review status: no assertion criteria provided. Collection method: clinical testing. Allele origin: germline. Not counted in ClinVar's aggregate classification.
Comment: The BBS9 c.20G>T variant is predicted to result in the amino acid substitution p.Arg7Leu. To our knowledge, this variant has not been reported in the literature. This variant is reported in 0.0056% of alleles in individuals of Latino descent in gnomAD. At this time, the clinical significance of this variant is uncertain due to the absence of conclusive functional and genetic evidence.